The following is an entry in ClinVar:

ClinVar aggregate classification (germline): Uncertain significance (1 of 4 stars; one submission).

Conditions:
Mucopolysaccharidosis, MPS-III-B (MPS3B). Also called: N-ACETYL-ALPHA-D-GLUCOSAMINIDASE DEFICIENCY; NAGLU DEFICIENCY; SANFILIPPO SYNDROME B; MPS III B; MPS IIIB (Sanfilippo Syndrome Type B); MUCOPOLYSACCHARIDOSIS, TYPE IIIB. Identifiers: Orphanet 79270, MedGen C0086648, MONDO:0009656, OMIM 252920.
Charcot-Marie-Tooth disease axonal type 2V. Also called: CHARCOT-MARIE-TOOTH NEUROPATHY, TYPE 2V; CHARCOT-MARIE-TOOTH DISEASE, AXONAL, AUTOSOMAL DOMINANT, TYPE 2V. Identifiers: Orphanet 447964, MedGen C5569050, MONDO:0014665, OMIM 616491.

Submission:

Labcorp Genetics (formerly Invitae), Labcorp
Classification: Uncertain significance for Charcot-Marie-Tooth disease axonal type 2V; Mucopolysaccharidosis, MPS-III-B. Last evaluated: 2021-01-19. Review status: criteria provided, single submitter. Criteria: Invitae Variant Classification Sherloc (09022015). Collection method: clinical testing. Allele origin: germline.
Comment: This sequence change replaces tyrosine with cysteine at codon 638 of the NAGLU protein (p.Tyr638Cys). The tyrosine residue is moderately conserved and there is a large physicochemical difference between tyrosine and cysteine. This variant is not present in population databases (ExAC no frequency). This variant has not been reported in the literature in individuals with NAGLU-related conditions. Advanced modeling of protein sequence and biophysical properties (such as structural, functional, and spatial information, amino acid conservation, physicochemical variation, residue mobility, and thermodynamic stability) performed at Invitae indicates that this missense variant is expected to disrupt NAGLU protein function. In summary, the available evidence is currently insufficient to determine the role of this variant in disease. Therefore, it has been classified as a Variant of Uncertain Significance.

NM_000263.4(NAGLU):c.1913A>G (p.Tyr638Cys)

Gene: NAGLU (N-acetyl-alpha-glucosaminidase; plus strand). Cytogenetic location: 17q21.2.
Variant type: single nucleotide variant.
Coding change: c.1913A>G on transcript NM_000263.4 (MANE Select); coding-DNA position 1913, A replaced by G.
Protein change: p.Tyr638Cys; replaces tyrosine 638 with cysteine.
Molecular consequence: missense variant.
Genome position (GRCh38, 1-based): chr17:42,543,919, A>G. VCF-style: chr17-42543919-A-G. GRCh37 (hg19) VCF-style: chr17-40695937-A-G.
Other names: short protein forms Y638C.
Identifiers: ClinVar variation 1517893 (VCV001517893.8), dbSNP rs2143114630, ClinGen allele CA399605453.